The following is an entry in ClinVar:

ClinVar aggregate classification (germline): Uncertain significance. Review status: criteria provided, multiple submitters, no conflicts (2 of 4 stars). 2 submissions from 2 submitters: Uncertain significance (2). Last evaluated 2025-12-03.

Conditions:
Primary ciliary dyskinesia. Also called: Ciliary dyskinesia. Identifiers: Orphanet 244, MedGen C0008780, MONDO:0016575, HP:0012265.

Allele frequency attached by ClinVar (database versions not stated): ExAC 0.00009; gnomAD exomes 0.00009; ESP Exome Variant Server 0.00015; gnomAD 0.00025 and 0.00027; TOPMed 0.00035; 1000 Genomes Project 0.00040; 1000 Genomes Project 30x 0.00047.
gnomAD v4.1: 68 of 1,583,394 alleles (0.0043%); highest among the groups gnomAD compares: African/African-American, 0.078%; no homozygotes.

Submissions (2):

Labcorp Genetics (formerly Invitae), Labcorp
Classification: Uncertain significance for Primary ciliary dyskinesia. Last evaluated: 2025-12-03. Review status: criteria provided, single submitter. Criteria: Invitae Variant Classification Sherloc (09022015). Collection method: clinical testing. Allele origin: germline.
Comment: This sequence change replaces glutamic acid, which is acidic and polar, with lysine, which is basic and polar, at codon 432 of the DNAAF1 protein (p.Glu432Lys). This variant is present in population databases (rs144990549, gnomAD 0.1%). This missense change has been observed in individual(s) with clinical features of primary ciliary dyskinesia (PMID: 22499950). ClinVar contains an entry for this variant (Variation ID: 454999). An algorithm developed to predict the effect of missense changes on protein structure and function (PolyPhen-2) suggests that this variant is likely to be tolerated. In summary, the available evidence is currently insufficient to determine the role of this variant in disease. Therefore, it has been classified as a Variant of Uncertain Significance.

Ambry Genetics
Classification: Uncertain significance for Primary ciliary dyskinesia. Last evaluated: 2021-03-19. Review status: criteria provided, single submitter. Criteria: Ambry Variant Classification Scheme 2023. Collection method: clinical testing. Allele origin: germline.
Comment: The p.E432K variant (also known as c.1294G>A), located in coding exon 8 of the DNAAF1 gene, results from a G to A substitution at nucleotide position 1294. The glutamic acid at codon 432 is replaced by lysine, an amino acid with similar properties. This variant was identified in one individual with with levocardia, recurrent respiratory illness, and ciliary dysfunction; no second DNAAF1 variant was reported (Nakhleh N et al. Circulation, 2012 May;125:2232-42). This amino acid position is not well conserved in available vertebrate species. In addition, this alteration is predicted to be tolerated by in silico analysis. Since supporting evidence is limited at this time, the clinical significance of this alteration remains unclear.

Literature cited by the submitters: PubMed 22499950 (cited by Labcorp Genetics (formerly Invitae), Labcorp and Ambry Genetics).

NM_178452.6(DNAAF1):c.1294G>A (p.Glu432Lys)

Gene: DNAAF1 (dynein axonemal assembly factor 1; plus strand). Cytogenetic location: 16q24.1.
Variant type: single nucleotide variant.
Coding change: c.1294G>A on transcript NM_178452.6 (MANE Select); coding-DNA position 1294, G replaced by A.
Protein change: p.Glu432Lys; replaces glutamic acid 432 with lysine.
Molecular consequence: missense variant.
Genome position (GRCh38, 1-based): chr16:84,170,122, G>A. VCF-style: chr16-84170122-G-A. GRCh37 (hg19) VCF-style: chr16-84203728-G-A.
Other names: c.586G>A, p.Glu196Lys (NM_001318756.1); short protein forms E432K, E196K.
Identifiers: ClinVar variation 454999 (VCV000454999.11), dbSNP rs144990549, ClinGen allele CA8202815.